The following is an entry in ClinVar:

NM_199420.4(POLQ):c.571A>C (p.Ile191Leu)

Gene: POLQ (DNA polymerase theta; minus strand). Cytogenetic location: 3q13.33.
Variant type: single nucleotide variant.
Coding change: c.571A>C on transcript NM_199420.4 (MANE Select); coding-DNA position 571, A replaced by C.
Protein change: p.Ile191Leu; replaces isoleucine 191 with leucine.
Molecular consequence: missense variant.
Genome position (GRCh38, 1-based): chr3:121,539,493, T>G on the plus strand (A>C on the coding strand, the complement: POLQ is on the minus strand). VCF-style: chr3-121539493-T-G. GRCh37 (hg19) VCF-style: chr3-121258340-T-G.
Other names: short protein forms I191L.
Identifiers: ClinVar variation 1749269 (VCV001749269.2), dbSNP rs2546824523, ClinGen allele CA354091104.

ClinVar aggregate classification (germline): Uncertain significance (1 of 4 stars; one submission).

Submission:

Ambry Genetics
Classification: Uncertain significance. Last evaluated: 2021-08-07. Review status: criteria provided, single submitter. Criteria: Ambry Variant Classification Scheme 2023. Collection method: clinical testing. Allele origin: germline.
Comment: The p.I191L variant (also known as c.571A>C), located in coding exon 4 of the POLQ gene, results from an A to C substitution at nucleotide position 571. The isoleucine at codon 191 is replaced by leucine, an amino acid with highly similar properties. This amino acid position is conserved. In addition, this alteration is predicted to be tolerated by in silico analysis. Since supporting evidence is limited at this time, the clinical significance of this alteration remains unclear.